The following is an entry in ClinVar:

NM_182961.4(SYNE1):c.15704C>T (p.Pro5235Leu)

Gene: SYNE1 (spectrin repeat containing nuclear envelope protein 1; minus strand). Cytogenetic location: 6q25.2.
Variant type: single nucleotide variant.
Coding change: c.15704C>T on transcript NM_182961.4 (MANE Select); coding-DNA position 15704, C replaced by T.
Protein change: p.Pro5235Leu; replaces proline 5235 with leucine.
Molecular consequence: missense variant.
Genome position (GRCh38, 1-based): chr6:152,323,691, G>A on the plus strand (C>T on the coding strand, the complement: SYNE1 is on the minus strand). VCF-style: chr6-152323691-G-A. GRCh37 (hg19) VCF-style: chr6-152644826-G-A.
Other names: c.15491C>T, p.Pro5164Leu (NM_033071.5); short protein forms P5164L, P5235L.
Identifiers: ClinVar variation 1020754 (VCV001020754.9), dbSNP rs2095954870, ClinGen allele CA366090520.

ClinVar aggregate classification (germline): Uncertain significance (1 of 4 stars; one submission).

Conditions:
Autosomal recessive ataxia, Beauce type. Also called: ATAXIA, RECESSIVE, OF BEAUCE; Spinocerebellar ataxia, autosomal recessive 8; SYNE1-Related Autosomal Recessive Cerebellar Ataxia; SYNE1 Deficiency. Identifiers: Orphanet 88644, MedGen C1853116, MONDO:0012549, OMIM 610743.
Emery-Dreifuss muscular dystrophy 4, autosomal dominant (EDMD4). Also called: EMERY-DREIFUSS MUSCULAR DYSTROPHY 4 WITH VARIABLE FEATURES. Identifiers: Orphanet 261, MedGen C2751807, MONDO:0013071, OMIM 612998.

Submission:

Labcorp Genetics (formerly Invitae), Labcorp
Classification: Uncertain significance for Emery-Dreifuss muscular dystrophy 4, autosomal dominant; Autosomal recessive ataxia, Beauce type. Last evaluated: 2020-05-29. Review status: criteria provided, single submitter. Criteria: Invitae Variant Classification Sherloc (09022015). Collection method: clinical testing. Allele origin: germline.
Comment: This sequence change replaces proline with leucine at codon 5164 of the SYNE1 protein (p.Pro5164Leu). The proline residue is highly conserved and there is a moderate physicochemical difference between proline and leucine. This variant is not present in population databases (ExAC no frequency). This variant has not been reported in the literature in individuals with SYNE1-related conditions. Algorithms developed to predict the effect of missense changes on protein structure and function output the following: SIFT: "Deleterious"; PolyPhen-2: "Benign"; Align-GVGD: "Class C65". The leucine amino acid residue is found in multiple mammalian species, suggesting that this missense change does not adversely affect protein function. These predictions have not been confirmed by published functional studies and their clinical significance is uncertain. In summary, the available evidence is currently insufficient to determine the role of this variant in disease. Therefore, it has been classified as a Variant of Uncertain Significance.